The following is an entry in ClinVar:

ClinVar aggregate classification (germline): Uncertain significance (1 of 4 stars; one submission).

Conditions:
Long QT syndrome (LQTS). Identifiers: MedGen C0023976, MeSH D008133, MONDO:0002442. Disease mechanism: loss of function. Inheritance: Various modes of inheritance.

Submission:

Labcorp Genetics (formerly Invitae), Labcorp
Classification: Uncertain significance for Long QT syndrome. Last evaluated: 2023-04-05. Review status: criteria provided, single submitter. Criteria: Invitae Variant Classification Sherloc (09022015). Collection method: clinical testing. Allele origin: germline.
Comment: This sequence change replaces leucine, which is neutral and non-polar, with valine, which is neutral and non-polar, at codon 1983 of the CACNA1C protein (p.Leu1983Val). In summary, the available evidence is currently insufficient to determine the role of this variant in disease. Therefore, it has been classified as a Variant of Uncertain Significance. Advanced modeling of protein sequence and biophysical properties (such as structural, functional, and spatial information, amino acid conservation, physicochemical variation, residue mobility, and thermodynamic stability) performed at Invitae indicates that this missense variant is not expected to disrupt CACNA1C protein function. This variant has not been reported in the literature in individuals affected with CACNA1C-related conditions. This variant is not present in population databases (gnomAD no frequency).

NM_000719.7(CACNA1C):c.5947C>G (p.Leu1983Val)

Genes: CACNA1C (calcium voltage-gated channel subunit alpha1 C; plus strand), CACNA1C-AS1 (CACNA1C antisense RNA 1; minus strand). Cytogenetic location: 12p13.33.
Variant type: single nucleotide variant.
Coding change: c.5947C>G on transcript NM_000719.7 (MANE Select); coding-DNA position 5947, C replaced by G.
Protein change: p.Leu1983Val; replaces leucine 1983 with valine.
Molecular consequence: missense variant.
Genome position (GRCh38, 1-based): chr12:2,688,609, C>G. VCF-style: chr12-2688609-C-G. GRCh37 (hg19) VCF-style: chr12-2797775-C-G.
Other names: c.6091C>G, p.Leu2031Val (NM_001129827.2); c.6070C>G, p.Leu2024Val (NM_001129829.2); c.6052C>G, p.Leu2018Val (NM_001129830.3, NM_001167624.3); c.6031C>G, p.Leu2011Val (NM_001129831.2); c.6007C>G, p.Leu2003Val (NM_001129832.2); c.6004C>G, p.Leu2002Val (NM_001129833.2, NM_001129834.2, NM_001129835.2); c.5998C>G, p.Leu2000Val (NM_001129836.2); c.5971C>G, p.Leu1991Val (NM_001129837.2, NM_001129838.2); and 6 more; short protein forms L1983V, L1989V, L1980V, L2024V, L2066V, L1991V, L2000V, L2002V.
Identifiers: ClinVar variation 2852118 (VCV002852118.3), dbSNP rs2534851614, ClinGen allele CA383384681.